The following is an entry in ClinVar:

ClinVar aggregate classification (germline): Uncertain significance (1 of 4 stars; one submission).

Conditions:
Fanconi-Bickel syndrome (FBS). Also called: FANCONI SYNDROME WITH INTESTINAL MALABSORPTION AND GALACTOSE INTOLERANCE; HEPATIC GLYCOGENOSIS WITH AMINO ACIDURIA AND GLUCOSURIA; HEPATIC GLYCOGENOSIS WITH FANCONI NEPHROPATHY; HEPATORENAL GLYCOGENOSIS WITH RENAL FANCONI SYNDROME; PSEUDO-PHLORIZIN DIABETES; Glycogen storage disease due to GLUT2 deficiency. Identifiers: Orphanet 2088, MedGen C3495427, MONDO:0009216, OMIM 227810.

Allele frequency attached by ClinVar (database versions not stated): gnomAD exomes below 0.00001.
gnomAD v4.1: 2 of 1,614,106 alleles (0.00012%); highest among the groups gnomAD compares: Non-Finnish European, 0.00017%; no homozygotes.

Submission:

Labcorp Genetics (formerly Invitae), Labcorp
Classification: Uncertain significance for Fanconi-Bickel syndrome. Last evaluated: 2022-10-19. Review status: criteria provided, single submitter. Criteria: Invitae Variant Classification Sherloc (09022015). Collection method: clinical testing. Allele origin: germline.
Comment: In summary, the available evidence is currently insufficient to determine the role of this variant in disease. Therefore, it has been classified as a Variant of Uncertain Significance. Advanced modeling of protein sequence and biophysical properties (such as structural, functional, and spatial information, amino acid conservation, physicochemical variation, residue mobility, and thermodynamic stability) performed at Invitae indicates that this missense variant is expected to disrupt SLC2A2 protein function. This missense change has been observed in individual(s) with clinical features of Fanconi-Bickel syndrome (PMID: 28116328). This variant is not present in population databases (gnomAD no frequency). This sequence change replaces glycine, which is neutral and non-polar, with arginine, which is basic and polar, at codon 119 of the SLC2A2 protein (p.Gly119Arg).

Literature cited by the submitters: PubMed 28116328.

NM_000340.2(SLC2A2):c.355G>A (p.Gly119Arg)

Gene: SLC2A2 (solute carrier family 2 member 2; minus strand). Cytogenetic location: 3q26.2.
Variant type: single nucleotide variant.
Coding change: c.355G>A on transcript NM_000340.2 (MANE Select); coding-DNA position 355, G replaced by A.
Protein change: p.Gly119Arg; replaces glycine 119 with arginine.
Molecular consequence: missense variant. On other transcripts: 5 prime UTR variant (1), intron variant (1).
Genome position (GRCh38, 1-based): chr3:171,014,485, C>T on the plus strand (G>A on the coding strand, the complement: SLC2A2 is on the minus strand). VCF-style: chr3-171014485-C-T. GRCh37 (hg19) VCF-style: chr3-170732274-C-T.
Other names: c.-40G>A (NM_001278659.2); c.14+4046G>A (NM_001278658.2); short protein forms G119R.
Identifiers: ClinVar variation 2734588 (VCV002734588.3), dbSNP rs2473915944, ClinGen allele CA355492542.